The following is an entry in ClinVar:

ClinVar aggregate classification (germline): Uncertain significance. Review status: criteria provided, multiple submitters, no conflicts (2 of 4 stars). 2 submissions from 2 submitters: Uncertain significance (2). Last evaluated 2025-06-04.

Conditions:
Inborn genetic diseases. Identifiers: MedGen C0950123, MeSH D030342.
Familial cold autoinflammatory syndrome 3 (FCAS3). Also called: FAMILIAL ATYPICAL COLD URTICARIA; ANTIBODY DEFICIENCY AND IMMUNE DYSREGULATION, PLCG2-ASSOCIATED. Identifiers: Orphanet 300359, MedGen C3280914, MONDO:0013766, OMIM 614468.

Allele frequency attached by ClinVar (database versions not stated): gnomAD exomes below 0.00001 and 0.00001; gnomAD 0.00001; TOPMed 0.00001.
gnomAD v4.1: 16 of 1,589,466 alleles (0.001%); highest among the groups gnomAD compares: Non-Finnish European, 0.0013%; no homozygotes.

Submissions (2):

Labcorp Genetics (formerly Invitae), Labcorp
Classification: Uncertain significance for Familial cold autoinflammatory syndrome 3. Last evaluated: 2025-06-04. Review status: criteria provided, single submitter. Criteria: Invitae Variant Classification Sherloc (09022015). Collection method: clinical testing. Allele origin: germline.
Comment: This sequence change replaces asparagine, which is neutral and polar, with histidine, which is basic and polar, at codon 159 of the PLCG2 protein (p.Asn159His). This variant is not present in population databases (gnomAD no frequency). This variant has not been reported in the literature in individuals affected with PLCG2-related conditions. ClinVar contains an entry for this variant (Variation ID: 1493266). An algorithm developed to predict the effect of missense changes on protein structure and function (PolyPhen-2) suggests that this variant is likely to be tolerated. In summary, the available evidence is currently insufficient to determine the role of this variant in disease. Therefore, it has been classified as a Variant of Uncertain Significance.

Ambry Genetics
Classification: Uncertain significance for Inborn genetic diseases. Last evaluated: 2025-04-25. Review status: criteria provided, single submitter. Criteria: Ambry Variant Classification Scheme 2023. Collection method: clinical testing. Allele origin: germline.

NM_002661.5(PLCG2):c.475A>C (p.Asn159His)

Gene: PLCG2 (phospholipase C gamma 2; plus strand). Cytogenetic location: 16q23.3.
Variant type: single nucleotide variant.
Coding change: c.475A>C on transcript NM_002661.5 (MANE Select); coding-DNA position 475, A replaced by C.
Protein change: p.Asn159His; replaces asparagine 159 with histidine.
Molecular consequence: missense variant.
Genome position (GRCh38, 1-based): chr16:81,859,159, A>C. VCF-style: chr16-81859159-A-C. GRCh37 (hg19) VCF-style: chr16-81892764-A-C.
Other names: c.475A>C (NM_002661.3); short protein forms N159H.
Identifiers: ClinVar variation 1493266 (VCV001493266.9), dbSNP rs1275687800, ClinGen allele CA396901788.